The following is an entry in ClinVar:

NM_001421.4(ELF4):c.1236_1241dup (p.Ser415_Ala416insGlySer)

Gene: ELF4 (E74 like ETS transcription factor 4; minus strand). Cytogenetic location: Xq26.1.
Variant type: Duplication.
Coding change: c.1236_1241dup on transcript NM_001421.4 (MANE Select); coding-DNA positions 1236 to 1241, 6 bases duplicated (GTCGGG; older notation c.1236_1241dupGTCGGG).
Protein change: p.Ser415_Ala416insGlySer.
Genome position (GRCh38, 1-based): chrX:130,067,472-130,067,477, CCCGAC duplicated on the plus strand (GTCGGG on the coding strand, the reverse complement: ELF4 is on the minus strand); duplicating any 6 consecutive bases within chrX:130,067,472-130,067,480 gives the same sequence; the c. name uses the placement nearest the transcript's 3' end. VCF-style (leftmost placement, unchanged base first): chrX-130067471-G-GCCCGAC. GRCh37 (hg19) VCF-style: chrX-129201446-G-GCCCGAC.
Other names: c.1236_1241dup, p.Ser415_Ala416insGlySer (NM_001127197.2, NM_001440765.1, NM_001440766.1).
Identifiers: ClinVar variation 4084571 (VCV004084571.8).

ClinVar aggregate classification (germline): Likely benign (1 of 4 stars; one submission).

Submission:

CeGaT Center for Human Genetics Tuebingen
Classification: Likely benign. Last evaluated: 2026-03-01. Review status: criteria provided, single submitter. Criteria: CeGaT Center For Human Genetics Tuebingen Variant Classification Criteria Version 2. Collection method: clinical testing. Allele origin: germline. Affected: yes. Observed: 2 variant alleles.
Comment: ELF4: PM4, BS2